The following is an entry in ClinVar:

NM_000081.4(LYST):c.5026G>A (p.Ala1676Thr)

Gene: LYST (lysosomal trafficking regulator; minus strand). Cytogenetic location: 1q42.3.
Variant type: single nucleotide variant.
Coding change: c.5026G>A on transcript NM_000081.4 (MANE Select); coding-DNA position 5026, G replaced by A.
Protein change: p.Ala1676Thr; replaces alanine 1676 with threonine.
Molecular consequence: missense variant.
Genome position (GRCh38, 1-based): chr1:235,781,053, C>T on the plus strand (G>A on the coding strand, the complement: LYST is on the minus strand). VCF-style: chr1-235781053-C-T. GRCh37 (hg19) VCF-style: chr1-235944353-C-T.
Other names: c.5026G>A, p.Ala1676Thr (NM_001301365.1); short protein forms A1676T.
Identifiers: ClinVar variation 1015412 (VCV001015412.8), dbSNP rs2528032965, ClinGen allele CA344955734.

ClinVar aggregate classification (germline): Uncertain significance (1 of 4 stars; one submission).

Conditions:
Chédiak-Higashi syndrome (CHS). Also called: Chediak-Higashi Syndrome. Identifiers: Orphanet 167, MedGen C0007965, MONDO:0008963, OMIM 214500.

Submission:

Labcorp Genetics (formerly Invitae), Labcorp
Classification: Uncertain significance for Chédiak-Higashi syndrome. Last evaluated: 2020-10-19. Review status: criteria provided, single submitter. Criteria: Invitae Variant Classification Sherloc (09022015). Collection method: clinical testing. Allele origin: germline.
Comment: In summary, the available evidence is currently insufficient to determine the role of this variant in disease. Therefore, it has been classified as a Variant of Uncertain Significance. Algorithms developed to predict the effect of missense changes on protein structure and function (SIFT, PolyPhen-2, Align-GVGD) all suggest that this variant is likely to be tolerated, but these predictions have not been confirmed by published functional studies and their clinical significance is uncertain. This variant has not been reported in the literature in individuals with LYST-related conditions. This variant is not present in population databases (ExAC no frequency). This sequence change replaces alanine with threonine at codon 1676 of the LYST protein (p.Ala1676Thr). The alanine residue is moderately conserved and there is a small physicochemical difference between alanine and threonine.